The following is an entry in ClinVar:

NM_177438.3(DICER1):c.4036A>G (p.Met1346Val)

Gene: DICER1 (dicer 1, ribonuclease III; minus strand). Cytogenetic location: 14q32.13.
Variant type: single nucleotide variant.
Coding change: c.4036A>G on transcript NM_177438.3 (MANE Select); coding-DNA position 4036, A replaced by G.
Protein change: p.Met1346Val; replaces methionine 1346 with valine.
Molecular consequence: missense variant.
Genome position (GRCh38, 1-based): chr14:95,103,360, T>C on the plus strand (A>G on the coding strand, the complement: DICER1 is on the minus strand). VCF-style: chr14-95103360-T-C. GRCh37 (hg19) VCF-style: chr14-95569697-T-C.
Other names: c.4036A>G, p.Met1346Val (NM_001195573.1, NM_001271282.3, NM_001291628.2 and 1 more transcripts); short protein forms M1346V.
Identifiers: ClinVar variation 570935 (VCV000570935.13), dbSNP rs1455097358, ClinGen allele CA390872907.

ClinVar aggregate classification (germline): Uncertain significance. Review status: criteria provided, multiple submitters, no conflicts (2 of 4 stars). 3 submissions from 3 submitters: Uncertain significance (3). Last evaluated 2025-08-22.

Conditions:
Hereditary cancer-predisposing syndrome. Also called: Hereditary neoplastic syndrome; Neoplastic Syndromes, Hereditary; Hereditary Cancer Syndrome; Tumor predisposition. Identifiers: Orphanet 140162, MedGen C0027672, MeSH D009386, MONDO:0015356.
Global developmental delay - lung cysts - overgrowth - Wilms tumor syndrome. Also called: GLOBAL DEVELOPMENTAL DELAY, LUNG CYSTS, OVERGROWTH, AND WILMS TUMOR; GLOW Syndrome. Identifiers: Orphanet 404476, MedGen C4748924, MONDO:0018445, OMIM 618272.
DICER1-related tumor predisposition. Also called: DICER1 syndrome; DICER1-related pleuropulmonary blastoma cancer predisposition syndrome. Identifiers: Orphanet 284343, MedGen C3839822, MONDO:0100216.

Allele frequency attached by ClinVar (database versions not stated): gnomAD exomes below 0.00001; TOPMed below 0.00001; gnomAD 0.00001.

Submissions (3):

Ambry Genetics
Classification: Uncertain significance for Hereditary cancer-predisposing syndrome. Last evaluated: 2025-08-22. Review status: criteria provided, single submitter. Criteria: Ambry Variant Classification Scheme 2023. Collection method: clinical testing. Allele origin: germline.
Comment: The p.M1346V variant (also known as c.4036A>G), located in coding exon 20 of the DICER1 gene, results from an A to G substitution at nucleotide position 4036. The methionine at codon 1346 is replaced by valine, an amino acid with highly similar properties. This amino acid position is conserved. In addition, this alteration is predicted to be deleterious by in silico analysis. Based on the available evidence, the clinical significance of this variant remains unclear.

Baylor Genetics
Classification: Uncertain significance for Global developmental delay - lung cysts - overgrowth - Wilms tumor syndrome. Last evaluated: 2023-06-16. Review status: criteria provided, single submitter. Criteria: ACMG Guidelines, 2015. Collection method: clinical testing. Allele origin: unknown.

Labcorp Genetics (formerly Invitae), Labcorp
Classification: Uncertain significance for DICER1-related tumor predisposition. Last evaluated: 2022-08-24. Review status: criteria provided, single submitter. Criteria: Invitae Variant Classification Sherloc (09022015). Collection method: clinical testing. Allele origin: germline.
Comment: This variant has not been reported in the literature in individuals affected with DICER1-related conditions. In summary, the available evidence is currently insufficient to determine the role of this variant in disease. Therefore, it has been classified as a Variant of Uncertain Significance. Algorithms developed to predict the effect of sequence changes on RNA splicing suggest that this variant may create or strengthen a splice site. Algorithms developed to predict the effect of missense changes on protein structure and function are either unavailable or do not agree on the potential impact of this missense change (SIFT: "Tolerated"; PolyPhen-2: "Probably Damaging"; Align-GVGD: "Class C0"). ClinVar contains an entry for this variant (Variation ID: 570935). This variant is not present in population databases (gnomAD no frequency). This sequence change replaces methionine, which is neutral and non-polar, with valine, which is neutral and non-polar, at codon 1346 of the DICER1 protein (p.Met1346Val).